The following is an entry in ClinVar:

ClinVar aggregate classification (germline): Likely pathogenic (1 of 4 stars; one submission).

Conditions:
X-linked Alport syndrome (ATS1). Also called: NEPHROPATHY AND DEAFNESS, X-LINKED; COL4A5-Related Nephropathy. Identifiers: Orphanet 63, Orphanet 88917, MedGen C4746986, MONDO:0010520, OMIM 301050.

Submission:

Myriad Genetics, Inc.
Classification: Likely pathogenic for X-linked Alport syndrome. Last evaluated: 2019-03-23. Review status: criteria provided, single submitter. Criteria: Myriad Women's Health Autosomal Recessive and X-Linked Classification Criteria (2019). Collection method: clinical testing. Allele origin: unknown.
Comment: NM_000495.4(COL4A5):c.2764A>T(K922*) is expected to be pathogenic in the context of X-linked Alport syndrome. This variant is predicted to lead to an abnormal or absent protein product due to the creation of a premature termination codon in COL4A5, a gene where loss-of-function variants are known to be pathogenic. Please note: this variant was assessed in the context of healthy population screening.

NM_033380.3(COL4A5):c.2764A>T (p.Lys922Ter)

Gene: COL4A5 (collagen type IV alpha 5 chain; plus strand). Cytogenetic location: Xq22.3.
Variant type: single nucleotide variant.
Coding change: c.2764A>T on transcript NM_033380.3 (MANE Select); coding-DNA position 2764, A replaced by T.
Protein change: p.Lys922Ter; replaces lysine 922 with a stop codon.
Molecular consequence: nonsense.
Genome position (GRCh38, 1-based): chrX:108,621,889, A>T. VCF-style: chrX-108621889-A-T. GRCh37 (hg19) VCF-style: chrX-107865119-A-T.
Other names: c.2764A>T, p.Lys922Ter (NM_000495.5); short protein forms K922*.
Identifiers: ClinVar variation 983897 (VCV000983897.3), dbSNP rs2067060145, ClinGen allele CA413852314.